The following is an entry in ClinVar:

NM_000043.6(FAS):c.905A>G (p.Asn302Ser)

Gene: FAS (Fas cell surface death receptor; plus strand). Cytogenetic location: 10q23.31.
Variant type: single nucleotide variant.
Coding change: c.905A>G on transcript NM_000043.6 (MANE Select); coding-DNA position 905, A replaced by G.
Protein change: p.Asn302Ser; replaces asparagine 302 with serine.
Molecular consequence: missense variant. On other transcripts: 3 prime UTR variant (2), non-coding transcript variant (7).
Genome position (GRCh38, 1-based): chr10:89,014,347, A>G. VCF-style: chr10-89014347-A-G. GRCh37 (hg19) VCF-style: chr10-90774104-A-G.
Other names: c.*228A>G (NM_001320619.2); c.950A>G, p.Asn317Ser (NM_001410956.1); c.842A>G, p.Asn281Ser (NM_152871.4); c.*217A>G (NM_152872.4); short protein forms N281S, N302S, N317S.
Identifiers: ClinVar variation 1997653 (VCV001997653.4), dbSNP rs2495229471, ClinGen allele CA377510082.
Genomic context (GRCh38, chr10:89,014,347, plus strand): 5'-ATCAACTTCATGGAAAGAAAGAAGCGTATGACACATTGATTAAAGATCTCAAAAAAGCCA[A>G]TCTTTGTACTCTTGCAGAGAAAATTCAGACTATCATCCTCAAGGACATTACTAGTGACTC-3'
Protein context (NP_000034.1, residues 292-312): DTLIKDLKKA[Asn302Ser]LCTLAEKIQT

ClinVar aggregate classification (germline): Uncertain significance (1 of 4 stars; one submission).

Conditions:
Autoimmune lymphoproliferative syndrome type 1. Also called: AUTOIMMUNE LYMPHOPROLIFERATIVE SYNDROME, TYPE I, AUTOSOMAL DOMINANT. Identifiers: Orphanet 3261, MedGen C2717884, MONDO:0011158, OMIM 601859.

Allele frequency attached by ClinVar (database versions not stated): gnomAD exomes 0.00001.
gnomAD v4.1: 6 of 1,613,900 alleles (0.00037%); highest among the groups gnomAD compares: Non-Finnish European, 0.00051%; no homozygotes.

Submission:

Labcorp Genetics (formerly Invitae), Labcorp
Classification: Uncertain significance for Autoimmune lymphoproliferative syndrome. Last evaluated: 2024-11-05. Review status: criteria provided, single submitter. Criteria: Invitae Variant Classification Sherloc (09022015). Collection method: clinical testing. Allele origin: germline.
Comment: This sequence change replaces asparagine, which is neutral and polar, with serine, which is neutral and polar, at codon 302 of the FAS protein (p.Asn302Ser). This variant is not present in population databases (gnomAD no frequency). This variant has not been reported in the literature in individuals affected with FAS-related conditions. ClinVar contains an entry for this variant (Variation ID: 1997653). Invitae Evidence Modeling of protein sequence and biophysical properties (such as structural, functional, and spatial information, amino acid conservation, physicochemical variation, residue mobility, and thermodynamic stability) has been performed for this missense variant. However, the output from this modeling did not meet the statistical confidence thresholds required to predict the impact of this variant on FAS protein function. In summary, the available evidence is currently insufficient to determine the role of this variant in disease. Therefore, it has been classified as a Variant of Uncertain Significance.